The following is an entry in ClinVar:

NM_022124.6(CDH23):c.1182C>T (p.Asn394=)

Gene: CDH23 (cadherin related 23; plus strand). Cytogenetic location: 10q22.1.
Variant type: single nucleotide variant.
Coding change: c.1182C>T on transcript NM_022124.6 (MANE Select); coding-DNA position 1182, C replaced by T.
Protein change: p.Asn394=; no amino-acid change (asparagine 394 retained).
Molecular consequence: synonymous variant.
Genome position (GRCh38, 1-based): chr10:71,645,872, C>T. VCF-style: chr10-71645872-C-T. GRCh37 (hg19) VCF-style: chr10-73405629-C-T.
Other names: c.1182C>T, p.Asn394= (NM_001171930.2, NM_001171931.2, NM_052836.4).
Identifiers: ClinVar variation 752305 (VCV000752305.14), dbSNP rs192730794, ClinGen allele CA5543726.

ClinVar aggregate classification (germline): Likely benign. Review status: criteria provided, multiple submitters, no conflicts (2 of 4 stars). 4 submissions from 4 submitters: Likely benign (4). Last evaluated 2025-07-16.

Conditions:
CDH23-related disorder. Also called: CDH23-related disorders; CDH23-related condition.

Allele frequency attached by ClinVar (database versions not stated): gnomAD 0.00001 and 0.00002; TOPMed 0.00003; gnomAD exomes 0.00004 and 0.00009; ExAC 0.00008; 1000 Genomes Project 30x 0.00031; 1000 Genomes Project 0.00040.
gnomAD v4.1: 25 of 1,613,328 alleles (0.0015%); highest among the groups gnomAD compares: Admixed American, 0.042%; no homozygotes.

Submissions (4):

PreventionGenetics, part of Exact Sciences
Classification: Likely benign for CDH23-related condition. Last evaluated: 2025-07-16. Review status: criteria provided, single submitter. Criteria: ACMG Guidelines, 2015. Collection method: clinical testing. Allele origin: germline.
Comment: This variant is classified as likely benign based on ACMG/AMP sequence variant interpretation guidelines (Richards et al. 2015 PMID: 25741868, with internal and published modifications).

Labcorp Genetics (formerly Invitae), Labcorp
Classification: Likely benign. Last evaluated: 2024-10-15. Review status: criteria provided, single submitter. Criteria: Invitae Variant Classification Sherloc (09022015). Collection method: clinical testing. Allele origin: germline.

GeneDx
Classification: Likely benign. Last evaluated: 2021-06-04. Review status: criteria provided, single submitter. Criteria: GeneDx Variant Classification Process June 2021. Collection method: clinical testing. Allele origin: germline. Affected: yes.

Blueprint Genetics
Classification: Likely benign. Last evaluated: 2021-04-05. Review status: criteria provided, single submitter. Criteria: ACMG Guidelines, 2015. Collection method: clinical testing. Allele origin: germline.